The following is an entry in ClinVar:

ClinVar aggregate classification (germline): Uncertain significance. Review status: criteria provided, multiple submitters, no conflicts (2 of 4 stars). 4 submissions from 4 submitters: Uncertain significance (4). Last evaluated 2025-12-03.

Conditions:
Hereditary cancer-predisposing syndrome. Also called: Hereditary neoplastic syndrome; Neoplastic Syndromes, Hereditary; Hereditary Cancer Syndrome; Tumor predisposition. Identifiers: Orphanet 140162, MedGen C0027672, MeSH D009386, MONDO:0015356.
Familial cancer of breast. Also called: Hereditary breast cancer; BREAST CANCER, FAMILIAL; hereditary breast carcinoma. Identifiers: Orphanet 227535, MedGen C0346153, MONDO:0016419, OMIM 114480. Disease mechanism: loss of function.

Allele frequency attached by ClinVar (database versions not stated): gnomAD exomes below 0.00001.
gnomAD v4.1: 1 of 1,613,876 alleles (0.000062%); highest among the groups gnomAD compares: Non-Finnish European, 0.000085%; no homozygotes.

Submissions (4):

Labcorp Genetics (formerly Invitae), Labcorp
Classification: Uncertain significance for Familial cancer of breast. Last evaluated: 2025-12-03. Review status: criteria provided, single submitter. Criteria: Invitae Variant Classification Sherloc (09022015). Collection method: clinical testing. Allele origin: germline.
Comment: This sequence change replaces tryptophan, which is neutral and slightly polar, with arginine, which is basic and polar, at codon 411 of the CHEK2 protein (p.Trp411Arg). This variant is not present in population databases (gnomAD no frequency). This variant has not been reported in the literature in individuals affected with CHEK2-related conditions. ClinVar contains an entry for this variant (Variation ID: 128051). An algorithm developed to predict the effect of missense changes on protein structure and function (PolyPhen-2) suggests that this variant is likely to be disruptive. In summary, the available evidence is currently insufficient to determine the role of this variant in disease. Therefore, it has been classified as a Variant of Uncertain Significance.

Ambry Genetics
Classification: Uncertain significance for Hereditary cancer-predisposing syndrome. Last evaluated: 2024-10-29. Review status: criteria provided, single submitter. Criteria: Ambry Variant Classification Scheme 2023. Collection method: clinical testing. Allele origin: germline.
Comment: The p.W411R variant (also known as c.1231T>A), located in coding exon 10 of the CHEK2 gene, results from a T to A substitution at nucleotide position 1231. The tryptophan at codon 411 is replaced by arginine, an amino acid with dissimilar properties. This amino acid position is highly conserved in available vertebrate species. In addition, this alteration is predicted to be deleterious by in silico analysis. Based on the available evidence, the clinical significance of this variant remains unclear.

Color Diagnostics, LLC DBA Color Health
Classification: Uncertain significance for Hereditary cancer-predisposing syndrome. Last evaluated: 2023-12-05. Review status: criteria provided, single submitter. Criteria: ACMG Guidelines, 2015. Collection method: clinical testing. Allele origin: germline.
Comment: This missense variant replaces tryptophan with arginine at codon 411 of the CHEK2 protein. Computational prediction suggests that this variant may have deleterious impact on protein structure and function (internally defined REVEL score threshold >= 0.7, PMID: 27666373). To our knowledge, functional studies have not been reported for this variant. This variant has not been reported in individuals affected with CHEK2-related disorders in the literature. This variant has not been identified in the general population by the Genome Aggregation Database (gnomAD). The available evidence is insufficient to determine the role of this variant in disease conclusively. Therefore, this variant is classified as a Variant of Uncertain Significance.

GeneDx
Classification: Uncertain significance. Last evaluated: 2018-09-05. Review status: criteria provided, single submitter. Criteria: GeneDx Variant Classification (06012015). Collection method: clinical testing. Allele origin: germline. Affected: yes.
Comment: This variant is denoted CHEK2 c.1231T>A at the cDNA level, p.Trp411Arg (W411R) at the protein level, and results in the change of a Tryptophan to an Arginine (TGG>AGG). This variant has not, to our knowledge, been published in the literature as pathogenic or benign. Although this variant was observed in large population cohorts, data in this region of CHEK2 are not considered reliable due to high pseudogene homology. This variant is located in the kinase domain (Cai 2009, Roeb 2012). In silico analysis, which includes protein predictors and evolutionary conservation, supports a deleterious effect. Based on currently available evidence, it is unclear whether CHEK2 Trp411Arg is a pathogenic or benign variant. We consider it to be a variant of uncertain significance.

NM_007194.4(CHEK2):c.1231T>A (p.Trp411Arg)

Gene: CHEK2 (checkpoint kinase 2; minus strand). Cytogenetic location: 22q12.1.
Variant type: single nucleotide variant.
Coding change: c.1231T>A on transcript NM_007194.4 (MANE Select); coding-DNA position 1231, T replaced by A.
Protein change: p.Trp411Arg; replaces tryptophan 411 with arginine.
Molecular consequence: missense variant.
Genome position (GRCh38, 1-based): chr22:28,695,738, A>T on the plus strand (T>A on the coding strand, the complement: CHEK2 is on the minus strand). VCF-style: chr22-28695738-A-T. GRCh37 (hg19) VCF-style: chr22-29091726-A-T.
Other names: p.W411R:TGG>AGG; c.1360T>A, p.Trp454Arg (NM_001005735.3); c.568T>A, p.Trp190Arg (NM_001257387.3); c.1030T>A, p.Trp344Arg (NM_001349956.3); c.1144T>A, p.Trp382Arg (NM_145862.3); short protein forms W411R, W382R, W454R, W190R, W344R.
Identifiers: ClinVar variation 128051 (VCV000128051.18), dbSNP rs587780172, ClinGen allele CA288268.